The following is an entry in ClinVar:

NM_012295.4(CABIN1):c.2532A>C (p.Ser844=)

Gene: CABIN1 (calcineurin binding protein 1; plus strand). Cytogenetic location: 22q11.23.
Variant type: single nucleotide variant.
Coding change: c.2532A>C on transcript NM_012295.4 (MANE Select); coding-DNA position 2532, A replaced by C.
Protein change: p.Ser844=; no amino-acid change (serine 844 retained).
Molecular consequence: synonymous variant.
Genome position (GRCh38, 1-based): chr22:24,072,410, A>C. VCF-style: chr22-24072410-A-C. GRCh37 (hg19) VCF-style: chr22-24468360-A-C.
Other names: c.2532A>C, p.Ser844= (NM_001199281.1); c.2382A>C, p.Ser794= (NM_001201429.2).
Identifiers: ClinVar variation 733632 (VCV000733632.5), dbSNP rs111573595, ClinGen allele CA10148914.

ClinVar aggregate classification (germline): Benign. Review status: criteria provided, single submitter (1 of 4 stars). 2 submissions from 2 submitters: Benign (1). 1 of the submissions does not count toward it. Last evaluated 2018-01-12.

Conditions:
CABIN1-related disorder. Also called: CABIN1-related condition.

Allele frequency attached by ClinVar (database versions not stated): gnomAD 0.00080; TOPMed 0.00096; 1000 Genomes Project 30x 0.00109; 1000 Genomes Project 0.00120; ESP Exome Variant Server 0.00131.
gnomAD v4.1: 335 of 1,614,128 alleles (0.021%); highest among the groups gnomAD compares: African/African-American, 0.37%; no homozygotes.

Submissions (2):

Labcorp Genetics (formerly Invitae), Labcorp
Classification: Benign. Last evaluated: 2018-01-12. Review status: criteria provided, single submitter. Criteria: Invitae Variant Classification Sherloc (09022015). Collection method: clinical testing. Allele origin: germline.

PreventionGenetics, part of Exact Sciences
Classification: Likely benign for CABIN1-related condition. Last evaluated: 2019-11-14. Review status: no assertion criteria provided. Collection method: clinical testing. Allele origin: germline. Not counted in ClinVar's aggregate classification.
Comment: This variant is classified as likely benign based on ACMG/AMP sequence variant interpretation guidelines (Richards et al. 2015 PMID: 25741868, with internal and published modifications).